The following is an entry in ClinVar:

NM_006648.4(WNK2):c.2915C>T (p.Pro972Leu)

Gene: WNK2 (WNK lysine deficient protein kinase 2; plus strand). Cytogenetic location: 9q22.31.
Variant type: single nucleotide variant.
Coding change: c.2915C>T on transcript NM_006648.4 (MANE Select); coding-DNA position 2915, C replaced by T.
Protein change: p.Pro972Leu; replaces proline 972 with leucine.
Molecular consequence: missense variant.
Genome position (GRCh38, 1-based): chr9:93,259,463, C>T. VCF-style: chr9-93259463-C-T. GRCh37 (hg19) VCF-style: chr9-96021745-C-T.
Other names: c.2915C>T, p.Pro972Leu (NM_001282394.3); short protein forms P972L.
Identifiers: ClinVar variation 4605293 (VCV004605293.1).

ClinVar aggregate classification (germline): Uncertain significance (1 of 4 stars; one submission).

gnomAD v4.1: 9 of 1,488,422 alleles (0.0006%); highest among the groups gnomAD compares: East Asian, 0.0025%; no homozygotes.

Submission:

Ambry Genetics
Classification: Uncertain significance. Last evaluated: 2025-10-23. Review status: criteria provided, single submitter. Criteria: Ambry Variant Classification Scheme 2023. Collection method: clinical testing. Allele origin: germline.
Comment: The p.P972L variant (also known as c.2915C>T), located in coding exon 11 of the WNK2 gene, results from a C to T substitution at nucleotide position 2915. The proline at codon 972 is replaced by leucine, an amino acid with similar properties. This amino acid position is conserved. In addition, this alteration is predicted to be tolerated by in silico analysis. Based on the available evidence, the clinical significance of this variant remains unclear.